The following is an entry in ClinVar:

ClinVar aggregate classification (germline): Uncertain significance (1 of 4 stars; one submission).

Submission:

GeneDx
Classification: Uncertain significance. Last evaluated: 2024-10-07. Review status: criteria provided, single submitter. Criteria: GeneDx Variant Classification Process June 2021. Collection method: clinical testing. Allele origin: germline. Affected: yes.
Comment: Not observed at significant frequency in large population cohorts (gnomAD); Loss-of-function variant in the 5' region of the gene where loss-of-function has not been definitively established as a disease mechanism (PMID: 28179641); Has not been previously published as pathogenic or benign to our knowledge; This variant is associated with the following publications: (PMID: 28179641)

NM_001372044.2(SHANK3):c.478del (p.Leu160fs)

Gene: SHANK3 (SH3 and multiple ankyrin repeat domains 3; plus strand). Cytogenetic location: 22q13.33.
Variant type: Deletion.
Coding change: c.478del on transcript NM_001372044.2 (MANE Select); coding-DNA position 478, one base deleted (C; older notation c.478delC).
Protein change: p.Leu160fs; shifts the reading frame from leucine 160.
Molecular consequence: frameshift variant.
Genome position (GRCh38, 1-based): chr22:50,675,237, C deleted; the last of 4 consecutive C bases (chr22:50,675,234-50,675,237); deleting any one gives the same sequence. VCF-style (leftmost placement, unchanged base first): chr22-50675233-GC-G. GRCh37 (hg19) VCF-style: chr22-51113661-GC-G.
Other names: c.253del (NM_033517.1); short protein forms L160fs.
Identifiers: ClinVar variation 3777484 (VCV003777484.1).
Genomic context (GRCh38, chr22:50,675,233, plus strand): 5'-CGCCGGCAAGTTCCTGGATGAGGAGCGGCTCCTGCAGGAGTACCCGCCCAACCTGGACAC[GC>G]CCCTGCCCTACCTGGAGGTAAGTGGCCGGCGCGGGGGTGAGCTGAGGAGCGCGCAGGGTG-3'